The following is an entry in ClinVar:

ClinVar aggregate classification (germline): Uncertain significance. Review status: criteria provided, multiple submitters, no conflicts (2 of 4 stars). 2 submissions from 2 submitters: Uncertain significance (2). Last evaluated 2025-07-14.

Conditions:
Malignant hyperthermia, susceptibility to, 1 (MHS1). Also called: Anesthesia related hyperthermia; Malignant hyperpyrexia; Fulminating hyperpyrexia; Pharmacogenic myopathy; Malignant hyperthermia suceptibility 1; RYR1-Related Malignant Hyperthermia Susceptibility. Identifiers: Orphanet 423, MedGen C2930980, MONDO:0007783, OMIM 145600.

gnomAD v4.1: 3 of 1,612,718 alleles (0.00019%); highest among the groups gnomAD compares: Non-Finnish European, 0.00025%; no homozygotes.

Submissions (2):

Color Diagnostics, LLC DBA Color Health
Classification: Uncertain significance for Malignant hyperthermia, susceptibility to, 1. Last evaluated: 2025-07-14. Review status: criteria provided, single submitter. Criteria: ACMG Guidelines, 2015. Collection method: clinical testing. Allele origin: germline.
Comment: This missense variant replaces proline with alanine at codon 2567 of the RYR1 protein. Computational prediction suggests that this variant may not impact protein structure and function. To our knowledge, functional studies have not been reported for this variant. This variant has not been reported in individuals affected with RYR1-related disorders in the literature. This variant has not been identified in the general population by the Genome Aggregation Database (gnomAD). The available evidence is insufficient to determine the role of this variant in disease conclusively. Therefore, this variant is classified as a Variant of Uncertain Significance.

Revvity Omics, Revvity
Classification: Uncertain significance. Last evaluated: 2021-11-24. Review status: criteria provided, single submitter. Criteria: ACMG Guidelines, 2015. Collection method: clinical testing. Allele origin: germline.

NM_000540.3(RYR1):c.7699C>G (p.Pro2567Ala)

Gene: RYR1 (ryanodine receptor 1; plus strand). Cytogenetic location: 19q13.2.
Variant type: single nucleotide variant.
Coding change: c.7699C>G on transcript NM_000540.3 (MANE Select); coding-DNA position 7699, C replaced by G.
Protein change: p.Pro2567Ala; replaces proline 2567 with alanine.
Molecular consequence: missense variant.
Genome position (GRCh38, 1-based): chr19:38,502,591, C>G. VCF-style: chr19-38502591-C-G. GRCh37 (hg19) VCF-style: chr19-38993231-C-G.
Other names: c.7699C>G, p.Pro2567Ala (NM_001042723.2); short protein forms P2567A.
Identifiers: ClinVar variation 2435571 (VCV002435571.4), dbSNP rs374982449, ClinGen allele CA405671677.